The following is an entry in ClinVar:

ClinVar aggregate classification (germline): Uncertain significance (1 of 4 stars; one submission).

Allele frequency attached by ClinVar (database versions not stated): ESP Exome Variant Server 0.00008; 1000 Genomes Project 30x 0.00016; 1000 Genomes Project 0.00020; ExAC 0.00022; gnomAD exomes 0.00030; TOPMed 0.00031; gnomAD 0.00037.
gnomAD v4.1: 517 of 1,614,116 alleles (0.032%); highest among the groups gnomAD compares: Admixed American, 0.062%; 1 homozygote.

Submission:

Ambry Genetics
Classification: Uncertain significance. Last evaluated: 2022-09-10. Review status: criteria provided, single submitter. Criteria: Ambry Variant Classification Scheme 2023. Collection method: clinical testing. Allele origin: germline.
Comment: The p.N950D variant (also known as c.2848A>G), located in coding exon 4 of the ALPK2 gene, results from an A to G substitution at nucleotide position 2848. The asparagine at codon 950 is replaced by aspartic acid, an amino acid with highly similar properties. This amino acid position is conserved. In addition, this alteration is predicted to be tolerated by in silico analysis. Since supporting evidence is limited at this time, the clinical significance of this alteration remains unclear.

NM_052947.4(ALPK2):c.2848A>G (p.Asn950Asp)

Gene: ALPK2 (alpha kinase 2; minus strand). Cytogenetic location: 18q21.31.
Variant type: single nucleotide variant.
Coding change: c.2848A>G on transcript NM_052947.4 (MANE Select); coding-DNA position 2848, A replaced by G.
Protein change: p.Asn950Asp; replaces asparagine 950 with aspartic acid.
Molecular consequence: missense variant.
Genome position (GRCh38, 1-based): chr18:58,537,339, T>C on the plus strand (A>G on the coding strand, the complement: ALPK2 is on the minus strand). VCF-style: chr18-58537339-T-C. GRCh37 (hg19) VCF-style: chr18-56204571-T-C.
Other names: short protein forms N950D.
Identifiers: ClinVar variation 1796790 (VCV001796790.2), dbSNP rs200109707, ClinGen allele CA8977005.